The following is an entry in ClinVar:

NM_001365951.3(KIF1B):c.1153G>C (p.Ala385Pro)

Gene: KIF1B (kinesin family member 1B; plus strand). Cytogenetic location: 1p36.22.
Variant type: single nucleotide variant.
Coding change: c.1153G>C on transcript NM_001365951.3 (MANE Select); coding-DNA position 1153, G replaced by C.
Protein change: p.Ala385Pro; replaces alanine 385 with proline.
Molecular consequence: missense variant.
Genome position (GRCh38, 1-based): chr1:10,278,101, G>C. VCF-style: chr1-10278101-G-C. GRCh37 (hg19) VCF-style: chr1-10338159-G-C.
Other names: c.1153G>C, p.Ala385Pro (NM_001365952.1); c.1135G>C, p.Ala379Pro (NM_001365953.1, NM_015074.3, NM_183416.4); short protein forms A379P, A385P.
Identifiers: ClinVar variation 4543657 (VCV004543657.1).

ClinVar aggregate classification (germline): Uncertain significance (1 of 4 stars; one submission).

Submission:

Ambry Genetics
Classification: Uncertain significance. Last evaluated: 2025-10-28. Review status: criteria provided, single submitter. Criteria: Ambry Variant Classification Scheme 2023. Collection method: clinical testing. Allele origin: germline.
Comment: The p.A379P variant (also known as c.1135G>C), located in coding exon 11 of the KIF1B gene, results from a G to C substitution at nucleotide position 1135. The alanine at codon 379 is replaced by proline, an amino acid with highly similar properties. This amino acid position is conserved. In addition, the in silico prediction for this alteration is inconclusive. Based on the available evidence, the clinical significance of this variant remains unclear.